The following is an entry in ClinVar:

NM_015378.4(VPS13D):c.7720C>G (p.Leu2574Val)

Gene: VPS13D (vacuolar protein sorting 13 homolog D; plus strand). Cytogenetic location: 1p36.22.
Variant type: single nucleotide variant.
Coding change: c.7720C>G on transcript NM_015378.4 (MANE Select); coding-DNA position 7720, C replaced by G.
Protein change: p.Leu2574Val; replaces leucine 2574 with valine.
Molecular consequence: missense variant.
Genome position (GRCh38, 1-based): chr1:12,322,551, C>G. VCF-style: chr1-12322551-C-G. GRCh37 (hg19) VCF-style: chr1-12382608-C-G.
Other names: p.Leu2574Val; c.7720C>G, p.Leu2574Val (NM_018156.4); short protein forms L2574V.
Identifiers: ClinVar variation 4540709 (VCV004540709.1).

ClinVar aggregate classification (germline): Uncertain significance (1 of 4 stars; one submission).

gnomAD v4.1: 8 of 1,614,032 alleles (0.0005%); highest among the groups gnomAD compares: Non-Finnish European, 0.00051%; no homozygotes.

Submission:

Mayo Clinic Laboratories, Mayo Clinic
Classification: Uncertain significance. Last evaluated: 2025-10-30. Review status: criteria provided, single submitter. Criteria: ACMG Guidelines, 2015. Collection method: clinical testing. Allele origin: germline. Observed: 1 variant allele.
Comment: BP4